The following is an entry in ClinVar:

ClinVar aggregate classification (germline): Uncertain significance. Review status: criteria provided, multiple submitters, no conflicts (2 of 4 stars). 2 submissions from 2 submitters: Uncertain significance (2). Last evaluated 2026-01-30.

Conditions:
Hereditary cancer-predisposing syndrome. Also called: Tumor predisposition; Hereditary Cancer Syndrome; Neoplastic Syndromes, Hereditary; Hereditary neoplastic syndrome. Identifiers: Orphanet 140162, MedGen C0027672, MeSH D009386, MONDO:0015356.
Rhabdoid tumor predisposition syndrome 2 (RTPS2). Identifiers: Orphanet 231108, Orphanet 69077, MedGen C2750074, MONDO:0013224, OMIM 613325.

Submissions (2):

Ambry Genetics
Classification: Uncertain significance for Hereditary cancer-predisposing syndrome. Last evaluated: 2026-01-30. Review status: criteria provided, single submitter. Criteria: Ambry Variant Classification Scheme 2023. Collection method: clinical testing. Allele origin: germline.
Comment: The c.1593+3A>T intronic variant results from an A to T substitution 3 nucleotides after coding exon 8 in the SMARCA4 gene. This nucleotide position is not well conserved in available vertebrate species. In silico splice site analysis predicts that this alteration may weaken the native splice donor site and will result in the creation or strengthening of a novel splice donor site; however, direct evidence is insufficient at this time (Ambry internal data). Based on the available evidence, the clinical significance of this variant remains unclear.

Labcorp Genetics (formerly Invitae), Labcorp
Classification: Uncertain significance for Rhabdoid tumor predisposition syndrome 2. Last evaluated: 2024-07-11. Review status: criteria provided, single submitter. Criteria: Invitae Variant Classification Sherloc (09022015). Collection method: clinical testing. Allele origin: germline.
Comment: This sequence change falls in intron 9 of the SMARCA4 gene. It does not directly change the encoded amino acid sequence of the SMARCA4 protein. It affects a nucleotide within the consensus splice site. This variant is not present in population databases (gnomAD no frequency). This variant has not been reported in the literature in individuals affected with SMARCA4-related conditions. ClinVar contains an entry for this variant (Variation ID: 537834). Variants that disrupt the consensus splice site are a relatively common cause of aberrant splicing (PMID: 17576681, 9536098). Algorithms developed to predict the effect of sequence changes on RNA splicing suggest that this variant may disrupt the consensus splice site. In summary, the available evidence is currently insufficient to determine the role of this variant in disease. Therefore, it has been classified as a Variant of Uncertain Significance.

Literature cited by the submitters: PubMed 17576681 (cited by Labcorp Genetics (formerly Invitae), Labcorp); PubMed 9536098 (cited by Labcorp Genetics (formerly Invitae), Labcorp).

NM_003072.5(SMARCA4):c.1593+3A>T

Gene: SMARCA4 (SWI/SNF related BAF chromatin remodeling complex subunit ATPase 4; plus strand). Cytogenetic location: 19p13.2.
Variant type: single nucleotide variant.
Coding change: c.1593+3A>T on transcript NM_003072.5 (MANE Select); 3 bases into the intron after coding-DNA position 1593, A replaced by T.
Molecular consequence: intron variant.
Genome position (GRCh38, 1-based): chr19:10,995,004, A>T. VCF-style: chr19-10995004-A-T. GRCh37 (hg19) VCF-style: chr19-11105680-A-T.
Other names: c.1593+3A>T (NM_001128844.3, NM_001128849.3, NM_001128847.4 and 5 more transcripts).
Identifiers: ClinVar variation 537834 (VCV000537834.13), dbSNP rs1555762222, ClinGen allele CA658799133.